The following is an entry in ClinVar:

NM_000059.4(BRCA2):c.10110G>T (p.Arg3370Ser)

Gene: BRCA2 (BRCA2 DNA repair associated; plus strand). Cytogenetic location: 13q13.1.
Variant type: single nucleotide variant.
Coding change: c.10110G>T on transcript NM_000059.4 (MANE Select); coding-DNA position 10110, G replaced by T.
Protein change: p.Arg3370Ser; replaces arginine 3370 with serine.
Molecular consequence: missense variant.
Genome position (GRCh38, 1-based): chr13:32,398,623, G>T. VCF-style: chr13-32398623-G-T. GRCh37 (hg19) VCF-style: chr13-32972760-G-T.
Other names: short protein forms R3370S.
Identifiers: ClinVar variation 922996 (VCV000922996.5), dbSNP rs28897762, ClinGen allele CA387768034.

ClinVar aggregate classification (germline): Uncertain significance (1 of 4 stars; one submission).

Conditions:
Hereditary cancer-predisposing syndrome. Also called: Neoplastic Syndromes, Hereditary; Tumor predisposition; Hereditary Cancer Syndrome; Hereditary neoplastic syndrome. Identifiers: Orphanet 140162, MedGen C0027672, MeSH D009386, MONDO:0015356.

Submission:

Color Diagnostics, LLC DBA Color Health
Classification: Uncertain significance for Hereditary cancer-predisposing syndrome. Last evaluated: 2023-12-05. Review status: criteria provided, single submitter. Criteria: ACMG Guidelines, 2015. Collection method: clinical testing. Allele origin: germline.
Comment: This missense variant replaces arginine with serine at codon 3370 of the BRCA2 protein. Computational prediction tools and conservation analyses are inconclusive regarding the impact of this variant on the protein function. Computational splicing tools suggest that this variant may not impact RNA splicing. To our knowledge, functional assays have not been performed for this variant nor has this variant been reported in individuals affected with hereditary cancer in the literature. This variant has not been identified in the general population by the Genome Aggregation Database (gnomAD). Available evidence is insufficient to determine the role of this variant in disease conclusively. Therefore, this variant is classified as a Variant of Uncertain Significance.